The following is an entry in ClinVar:

ClinVar aggregate classification (germline): Uncertain significance. Review status: criteria provided, multiple submitters, no conflicts (2 of 4 stars). 2 submissions from 2 submitters: Uncertain significance (2). Last evaluated 2025-12-02.

Allele frequency attached by ClinVar (database versions not stated): gnomAD 0.00001; gnomAD exomes 0.00001; ExAC 0.00002.

Submissions (2):

Ambry Genetics
Classification: Uncertain significance. Last evaluated: 2025-12-02. Review status: criteria provided, single submitter. Criteria: Ambry Variant Classification Scheme 2023. Collection method: clinical testing. Allele origin: germline.

Labcorp Genetics (formerly Invitae), Labcorp
Classification: Uncertain significance. Last evaluated: 2025-03-17. Review status: criteria provided, single submitter. Criteria: Invitae Variant Classification Sherloc (09022015). Collection method: clinical testing. Allele origin: germline.
Comment: This sequence change replaces arginine, which is basic and polar, with histidine, which is basic and polar, at codon 57 of the IFT43 protein (p.Arg57His). This variant is present in population databases (rs774922293, gnomAD 0.007%). This variant has not been reported in the literature in individuals affected with IFT43-related conditions. ClinVar contains an entry for this variant (Variation ID: 1498439). An algorithm developed to predict the effect of missense changes on protein structure and function (PolyPhen-2) suggests that this variant is likely to be disruptive. In summary, the available evidence is currently insufficient to determine the role of this variant in disease. Therefore, it has been classified as a Variant of Uncertain Significance.

NM_001102564.3(IFT43):c.170G>A (p.Arg57His)

Gene: IFT43 (intraflagellar transport 43; plus strand). Cytogenetic location: 14q24.3.
Variant type: single nucleotide variant.
Coding change: c.170G>A on transcript NM_001102564.3 (MANE Select); coding-DNA position 170, G replaced by A.
Protein change: p.Arg57His; replaces arginine 57 with histidine.
Molecular consequence: missense variant. On other transcripts: non-coding transcript variant (2).
Genome position (GRCh38, 1-based): chr14:76,022,349, G>A. VCF-style: chr14-76022349-G-A. GRCh37 (hg19) VCF-style: chr14-76488692-G-A.
Other names: c.170G>A (NM_052873.2); c.170G>A, p.Arg57His (NM_001255995.3, NM_052873.3); short protein forms R57H.
Identifiers: ClinVar variation 1498439 (VCV001498439.7), dbSNP rs774922293, ClinGen allele CA7280680.
Genomic context (GRCh38, chr14:76,022,349, plus strand): 5'-TGAGTGAATGTGTTCTTTTGACTTCTCTTTCCTTGTAGACTTCCTCTGCTAAATTACCTC[G>A]CTGCCGACAGGGAGGCTGGGCAGGTGATTCCGTGAAGGCTTCGAAGTGAGTACCAGCAGC-3'
Protein context (NP_001096034.1, residues 47-67): TGETSSAKLP[Arg57His]CRQGGWAGDS